The following is an entry in ClinVar:

NM_000288.4(PEX7):c.282C>T (p.Leu94=)

Gene: PEX7 (peroxisomal biogenesis factor 7; plus strand). Cytogenetic location: 6q23.3.
Variant type: single nucleotide variant.
Coding change: c.282C>T on transcript NM_000288.4 (MANE Select); coding-DNA position 282, C replaced by T.
Protein change: p.Leu94=; no amino-acid change (leucine 94 retained).
Molecular consequence: synonymous variant.
Genome position (GRCh38, 1-based): chr6:136,826,412, C>T. VCF-style: chr6-136826412-C-T. GRCh37 (hg19) VCF-style: chr6-137147550-C-T.
Other names: c.168C>T, p.Leu56= (NM_001410945.1).
Identifiers: ClinVar variation 4873107 (VCV004873107.2).

ClinVar aggregate classification (germline): Likely benign (1 of 4 stars; one submission).

Submission:

CeGaT Center for Human Genetics Tuebingen
Classification: Likely benign. Last evaluated: 2026-06-01. Review status: criteria provided, single submitter. Criteria: CeGaT Center For Human Genetics Tuebingen Variant Classification Criteria Version 2. Collection method: clinical testing. Allele origin: germline. Affected: yes. Observed: 1 variant allele.
Comment: PEX7: PM2:Supporting, BP4, BP7